The following is an entry in ClinVar:

ClinVar aggregate classification (germline): Uncertain significance. Review status: criteria provided, multiple submitters, no conflicts (2 of 4 stars). 2 submissions from 2 submitters: Uncertain significance (2). Last evaluated 2023-10-13.

Conditions:
Inborn genetic diseases. Identifiers: MedGen C0950123, MeSH D030342.
Neuronal ceroid lipofuscinosis 11. Also called: GRN-Related Neuronal Ceroid-Lipofuscinosis. Identifiers: Orphanet 314629, Orphanet 79262, MedGen C3539123, MONDO:0013866, OMIM 614706.
GRN-related frontotemporal lobar degeneration with Tdp43 inclusions (FTD2). Also called: GRN Frontotemporal Dementia; FRONTOTEMPORAL DEMENTIA WITH TDP43 INCLUSIONS, GRN-RELATED; DEMENTIA, HEREDITARY DYSPHASIC DISINHIBITION; FRONTOTEMPORAL LOBAR DEGENERATION WITH UBIQUITIN-POSITIVE INCLUSIONS; FTLD-TDP, GRN-RELATED. Identifiers: Orphanet 100070, Orphanet 282, MedGen C1843792, MONDO:0011842, OMIM 607485. Disease mechanism: loss of function.

Allele frequency attached by ClinVar (database versions not stated): gnomAD exomes below 0.00001 and 0.00003; TOPMed below 0.00001; ExAC 0.00001; gnomAD 0.00001.
gnomAD v4.1: 44 of 1,613,128 alleles (0.0027%); highest among the groups gnomAD compares: East Asian, 0.0045%; no homozygotes.

Submissions (2):

Labcorp Genetics (formerly Invitae), Labcorp
Classification: Uncertain significance for Neuronal ceroid lipofuscinosis 11; GRN-related frontotemporal lobar degeneration with Tdp43 inclusions. Last evaluated: 2023-10-13. Review status: criteria provided, single submitter. Criteria: Invitae Variant Classification Sherloc (09022015). Collection method: clinical testing. Allele origin: germline.
Comment: This sequence change replaces arginine, which is basic and polar, with cysteine, which is neutral and slightly polar, at codon 478 of the GRN protein (p.Arg478Cys). This variant is present in population databases (rs781387612, gnomAD no frequency). This variant has not been reported in the literature in individuals affected with GRN-related conditions. ClinVar contains an entry for this variant (Variation ID: 589971). Advanced modeling of protein sequence and biophysical properties (such as structural, functional, and spatial information, amino acid conservation, physicochemical variation, residue mobility, and thermodynamic stability) performed at Invitae indicates that this missense variant is expected to disrupt GRN protein function. In summary, the available evidence is currently insufficient to determine the role of this variant in disease. Therefore, it has been classified as a Variant of Uncertain Significance.

Ambry Genetics
Classification: Uncertain significance for Inborn genetic diseases. Last evaluated: 2016-11-22. Review status: criteria provided, single submitter. Criteria: Ambry Variant Classification Scheme 2023. Collection method: clinical testing. Allele origin: germline.
Comment: The p.R478C variant (also known as c.1432C>T), located in coding exon 11 of the GRN gene, results from a C to T substitution at nucleotide position 1432. The arginine at codon 478 is replaced by cysteine, an amino acid with highly dissimilar properties. This variant was not reported in population based cohorts in the following databases: Database of Single Nucleotide Polymorphisms (dbSNP), NHLBI Exome Sequencing Project (ESP), and 1000 Genomes Project. In the ESP, this variant was not observed in 6503 samples (13006 alleles) with coverage at this position. This amino acid position is not well conserved in available vertebrate species. In addition, the in silico prediction for this alteration is inconclusive. Since supporting evidence is limited at this time, the clinical significance of this alteration remains unclear.

NM_002087.4(GRN):c.1432C>T (p.Arg478Cys)

Gene: GRN (granulin precursor; plus strand). Cytogenetic location: 17q21.31.
Variant type: single nucleotide variant.
Coding change: c.1432C>T on transcript NM_002087.4 (MANE Select); coding-DNA position 1432, C replaced by T.
Protein change: p.Arg478Cys; replaces arginine 478 with cysteine.
Molecular consequence: missense variant.
Genome position (GRCh38, 1-based): chr17:44,352,359, C>T. VCF-style: chr17-44352359-C-T. GRCh37 (hg19) VCF-style: chr17-42429727-C-T.
Other names: short protein forms R478C.
Identifiers: ClinVar variation 589971 (VCV000589971.10), dbSNP rs781387612, ClinGen allele CA8602206.